The following is an entry in ClinVar:

ClinVar aggregate classification (germline): Uncertain significance (1 of 4 stars; one submission).

gnomAD v4.1: 11 of 1,610,310 alleles (0.00068%); highest among the groups gnomAD compares: Middle Eastern, 0.034%; no homozygotes.

Submission:

Labcorp Genetics (formerly Invitae), Labcorp
Classification: Uncertain significance. Last evaluated: 2023-07-10. Review status: criteria provided, single submitter. Criteria: Invitae Variant Classification Sherloc (09022015). Collection method: clinical testing. Allele origin: germline.
Comment: This variant is present in population databases (no rsID available, gnomAD 0.01%). This sequence change replaces proline, which is neutral and non-polar, with arginine, which is basic and polar, at codon 132 of the COL9A3 protein (p.Pro132Arg). This variant has not been reported in the literature in individuals affected with COL9A3-related conditions. In summary, the available evidence is currently insufficient to determine the role of this variant in disease. Therefore, it has been classified as a Variant of Uncertain Significance. Advanced modeling of protein sequence and biophysical properties (such as structural, functional, and spatial information, amino acid conservation, physicochemical variation, residue mobility, and thermodynamic stability) performed at Invitae indicates that this missense variant is not expected to disrupt COL9A3 protein function. ClinVar contains an entry for this variant (Variation ID: 1925140).

NM_001853.4(COL9A3):c.395C>G (p.Pro132Arg)

Gene: COL9A3 (collagen type IX alpha 3 chain; plus strand). Cytogenetic location: 20q13.33.
Variant type: single nucleotide variant.
Coding change: c.395C>G on transcript NM_001853.4 (MANE Select); coding-DNA position 395, C replaced by G.
Protein change: p.Pro132Arg; replaces proline 132 with arginine.
Molecular consequence: missense variant.
Genome position (GRCh38, 1-based): chr20:62,821,782, C>G. VCF-style: chr20-62821782-C-G. GRCh37 (hg19) VCF-style: chr20-61453134-C-G.
Other names: short protein forms P132R.
Identifiers: ClinVar variation 1925140 (VCV001925140.5), dbSNP rs751776191, ClinGen allele CA317325306.